The following is an entry in ClinVar:

ClinVar aggregate classification (germline): Uncertain significance. Review status: criteria provided, multiple submitters, no conflicts (2 of 4 stars). 3 submissions from 3 submitters: Uncertain significance (3). Last evaluated 2025-10-15.

Conditions:
GJB3-related disorder. Also called: GJB3-related condition.

Allele frequency attached by ClinVar (database versions not stated): gnomAD 0.00004; TOPMed 0.00005; gnomAD exomes 0.00006 and 0.00008; ExAC 0.00007; ESP Exome Variant Server 0.00008.
gnomAD v4.1: 131 of 1,613,870 alleles (0.0081%); highest among the groups gnomAD compares: South Asian, 0.015%; no homozygotes.

Submissions (3):

GeneDx
Classification: Uncertain significance. Last evaluated: 2025-10-15. Review status: criteria provided, single submitter. Criteria: GeneDx Variant Classification Process June 2021. Collection method: clinical testing. Allele origin: germline. Affected: yes.
Comment: Has not been previously published as pathogenic or benign to our knowledge; In silico analysis supports that this missense variant has a deleterious effect on protein structure/function

PreventionGenetics, part of Exact Sciences
Classification: Uncertain significance for GJB3-related condition. Last evaluated: 2025-03-20. Review status: criteria provided, single submitter. Criteria: ACMG Guidelines, 2015. Collection method: clinical testing. Allele origin: germline.
Comment: The GJB3 c.196G>A variant is predicted to result in the amino acid substitution p.Asp66Asn. To our knowledge, this variant has not been reported in the literature. This variant is reported in 0.016% of alleles in individuals of South Asian descent in gnomAD. At this time, the clinical significance of this variant is uncertain due to the absence of conclusive functional and genetic evidence.

Revvity Omics, Revvity
Classification: Uncertain significance. Last evaluated: 2020-03-27. Review status: criteria provided, single submitter. Criteria: ACMG Guidelines, 2015. Collection method: clinical testing. Allele origin: germline.

NM_024009.3(GJB3):c.196G>A (p.Asp66Asn)

Gene: GJB3 (gap junction protein beta 3; plus strand). Cytogenetic location: 1p34.3.
Variant type: single nucleotide variant.
Coding change: c.196G>A on transcript NM_024009.3 (MANE Select); coding-DNA position 196, G replaced by A.
Protein change: p.Asp66Asn; replaces aspartic acid 66 with asparagine.
Molecular consequence: missense variant.
Genome position (GRCh38, 1-based): chr1:34,784,958, G>A. VCF-style: chr1-34784958-G-A. GRCh37 (hg19) VCF-style: chr1-35250559-G-A.
Other names: c.196G>A, p.Asp66Asn (NM_001005752.2); short protein forms D66N.
Identifiers: ClinVar variation 1683967 (VCV001683967.7), dbSNP rs201937833, ClinGen allele CA754774.